The following is an entry in ClinVar:

NC_000009.11:g.(?_5021988)_(5126791_?)dup

Gene: JAK2 (Janus kinase 2; plus strand). Cytogenetic location: 9p24.1.
Variant type: Duplication.
Identifiers: ClinVar variation 2425249 (VCV002425249.4).

ClinVar aggregate classification (germline): Uncertain significance (1 of 4 stars; one submission).

Submission:

Labcorp Genetics (formerly Invitae), Labcorp
Classification: Uncertain significance. Last evaluated: 2024-01-25. Review status: criteria provided, single submitter. Criteria: Invitae Variant Classification Sherloc (09022015). Collection method: clinical testing. Allele origin: germline.
Comment: A copy number gain of the genomic region encompassing the full coding sequence of the JAK2 gene has been identified. The boundaries of this event are unknown as they extend beyond the assayed region for this gene and therefore may encompass additional genes. As the precise location of this event is unknown, it may be in tandem or it may be located elsewhere in the genome. This variant has not been reported in the literature in individuals affected with JAK2-related conditions. In summary, the available evidence is currently insufficient to determine the role of this variant in disease. Therefore, it has been classified as a Variant of Uncertain Significance.